The following is an entry in ClinVar:

NM_007294.4(BRCA1):c.5104A>T (p.Lys1702Ter)

Gene: BRCA1 (BRCA1 DNA repair associated; minus strand). Cytogenetic location: 17q21.31.
Variant type: single nucleotide variant.
Coding change: c.5104A>T on transcript NM_007294.4 (MANE Select); coding-DNA position 5104, A replaced by T.
Protein change: p.Lys1702Ter; replaces lysine 1702 with a stop codon.
Molecular consequence: nonsense. On other transcripts: non-coding transcript variant (1).
Genome position (GRCh38, 1-based): chr17:43,063,922, T>A on the plus strand (A>T on the coding strand, the complement: BRCA1 is on the minus strand). VCF-style: chr17-43063922-T-A. GRCh37 (hg19) VCF-style: chr17-41215939-T-A.
Other names: c.4891A>T, p.Lys1631Ter (NM_001407571.1, NM_001407894.1, NM_001407895.1 and 12 more transcripts); c.5170A>T, p.Lys1724Ter (NM_001407581.1, NM_001407582.1); c.5167A>T, p.Lys1723Ter (NM_001407583.1, NM_001407585.1, NM_001407587.1 and 1 more transcripts); c.5164A>T, p.Lys1722Ter (NM_001407590.1, NM_001407591.1); c.5104A>T, p.Lys1702Ter (NM_001407593.1, NM_001407594.1, NM_001407596.1 and 7 more transcripts); c.5101A>T, p.Lys1701Ter (NM_001407620.1, NM_001407621.1, NM_001407622.1 and 17 more transcripts); c.5098A>T, p.Lys1700Ter (NM_001407627.1, NM_001407628.1, NM_001407639.1 and 14 more transcripts); c.5095A>T, p.Lys1699Ter (NM_001407644.1, NM_001407645.1); and 71 more; short protein forms K1655*, K1702*, K1723*, K598*, K1405*, K1573*, K1574*, K1590*.
Identifiers: ClinVar variation 868649 (VCV000868649.4), dbSNP rs2051925024, ClinGen allele CA10591321.

Conditions:
Breast-ovarian cancer, familial, susceptibility to, 1 (BROVCA1). Also called: BRCA1 Hereditary Breast and Ovarian Cancer; OVARIAN CANCER, SUSCEPTIBILITY TO. Identifiers: Orphanet 145, MedGen C2676676, MONDO:0011450, OMIM 604370. Disease mechanism: loss of function.

Submission:

Brotman Baty Institute, University of Washington
No classification provided (evidence only). Condition: Breast-ovarian cancer, familial 1. Review status: no classification provided. Collection method: in vitro. Allele origin: not applicable. Functional consequence: functionally_abnormal.
ClinVar note: "not provided" was previously submitted as the classification for the variant. However, the classification appeared to be based only on an observation of functional data so it was converted to no classification on 2025-07-30.